The following is an entry in ClinVar:

ClinVar aggregate classification (germline): Uncertain significance. Review status: criteria provided, multiple submitters, no conflicts (2 of 4 stars). 3 submissions from 3 submitters: Uncertain significance (3). Last evaluated 2026-06-29.

Conditions:
WFS1-related disorder. Identifiers: MedGen CN379391, MONDO:0700293.

gnomAD v4.1: 3 of 1,612,784 alleles (0.00019%); highest among the groups gnomAD compares: African/African-American, 0.0013%; no homozygotes.

Submissions (3):

PreventionGenetics, part of Exact Sciences
Classification: Uncertain significance for WFS1-related condition. Last evaluated: 2026-06-29. Review status: criteria provided, single submitter. Criteria: ACMG Guidelines, 2015. Collection method: clinical testing. Allele origin: germline.
Comment: The WFS1 c.2230C>T variant is predicted to result in the amino acid substitution p.Pro744Ser. To our knowledge, this variant has not been reported in the literature or in a large population database (gnomAD), indicating this variant is rare. At this time, the clinical significance of this variant is uncertain due to the absence of conclusive functional and genetic evidence.

Labcorp Genetics (formerly Invitae), Labcorp
Classification: Uncertain significance. Last evaluated: 2025-06-27. Review status: criteria provided, single submitter. Criteria: Invitae Variant Classification Sherloc (09022015). Collection method: clinical testing. Allele origin: germline.
Comment: This sequence change replaces proline, which is neutral and non-polar, with serine, which is neutral and polar, at codon 744 of the WFS1 protein (p.Pro744Ser). This variant is not present in population databases (gnomAD no frequency). This variant has not been reported in the literature in individuals affected with WFS1-related conditions. Invitae Evidence Modeling of protein sequence and biophysical properties (such as structural, functional, and spatial information, amino acid conservation, physicochemical variation, residue mobility, and thermodynamic stability) indicates that this missense variant is not expected to disrupt WFS1 protein function with a negative predictive value of 95%. In summary, the available evidence is currently insufficient to determine the role of this variant in disease. Therefore, it has been classified as a Variant of Uncertain Significance.

Blueprint Genetics
Classification: Uncertain significance. Last evaluated: 2023-10-27. Review status: criteria provided, single submitter. Criteria: ACMG Guidelines, 2015. Collection method: clinical testing. Allele origin: germline.

NM_006005.3(WFS1):c.2230C>T (p.Pro744Ser)

Gene: WFS1 (wolframin ER transmembrane glycoprotein; plus strand). Cytogenetic location: 4p16.1.
Variant type: single nucleotide variant.
Coding change: c.2230C>T on transcript NM_006005.3 (MANE Select); coding-DNA position 2230, C replaced by T.
Protein change: p.Pro744Ser; replaces proline 744 with serine.
Molecular consequence: missense variant.
Genome position (GRCh38, 1-based): chr4:6,302,025, C>T. VCF-style: chr4-6302025-C-T. GRCh37 (hg19) VCF-style: chr4-6303752-C-T.
Other names: c.2230C>T, p.Pro744Ser (NM_001145853.1); short protein forms P744S.
Identifiers: ClinVar variation 4709328 (VCV004709328.3).